The following is an entry in ClinVar:

NM_017617.5(NOTCH1):c.4024G>A (p.Gly1342Ser)

Gene: NOTCH1 (notch receptor 1; minus strand). Cytogenetic location: 9q34.3.
Variant type: single nucleotide variant.
Coding change: c.4024G>A on transcript NM_017617.5 (MANE Select); coding-DNA position 4024, G replaced by A.
Protein change: p.Gly1342Ser; replaces glycine 1342 with serine.
Molecular consequence: missense variant.
Genome position (GRCh38, 1-based): chr9:136,505,872, C>T on the plus strand (G>A on the coding strand, the complement: NOTCH1 is on the minus strand). VCF-style: chr9-136505872-C-T. GRCh37 (hg19) VCF-style: chr9-139400324-C-T.
Other names: c.4024G>A, p.Gly1342Ser (LRG_1122t1); short protein forms G1342S.
Identifiers: ClinVar variation 264014 (VCV000264014.57), dbSNP rs748933222, ClinGen allele CA5340709.

ClinVar aggregate classification (germline): Uncertain significance. Review status: criteria provided, multiple submitters, no conflicts (2 of 4 stars). 6 submissions from 5 submitters: Uncertain significance (6). Last evaluated 2025-11-04.

Conditions:
Adams-Oliver syndrome 5 (AOS5). Identifiers: Orphanet 974, MedGen C4014970, MONDO:0014459, OMIM 616028.
Familial thoracic aortic aneurysm and aortic dissection (TAAD). Also called: Thoracic aortic aneurysms and dissections. Identifiers: Orphanet 91387, MedGen C4707243, MONDO:0019625.
Aortic valve disease 1 (AOVD1). Identifiers: MedGen C3887892, MONDO:0024523, OMIM 109730.

Allele frequency attached by ClinVar (database versions not stated): gnomAD exomes below 0.00001 and 0.00002; ExAC 0.00001; gnomAD 0.00001; TOPMed 0.00001.
gnomAD v4.1: 35 of 1,589,370 alleles (0.0022%); highest among the groups gnomAD compares: Non-Finnish European, 0.003%; no homozygotes.

Submissions (6):

Labcorp Genetics (formerly Invitae), Labcorp
Classification: Uncertain significance for Adams-Oliver syndrome 5. Last evaluated: 2025-11-04. Review status: criteria provided, single submitter. Criteria: Invitae Variant Classification Sherloc (09022015). Collection method: clinical testing. Allele origin: germline.
Comment: This sequence change replaces glycine, which is neutral and non-polar, with serine, which is neutral and polar, at codon 1342 of the NOTCH1 protein (p.Gly1342Ser). The frequency data for this variant in the population databases is considered unreliable, as metrics indicate poor data quality at this position in the gnomAD database. This variant has not been reported in the literature in individuals affected with NOTCH1-related conditions. ClinVar contains an entry for this variant (Variation ID: 264014). Invitae Evidence Modeling of protein sequence and biophysical properties (such as structural, functional, and spatial information, amino acid conservation, physicochemical variation, residue mobility, and thermodynamic stability) has been performed for this missense variant. However, the output from this modeling did not meet the statistical confidence thresholds required to predict the impact of this variant on NOTCH1 protein function. In summary, the available evidence is currently insufficient to determine the role of this variant in disease. Therefore, it has been classified as a Variant of Uncertain Significance.

GeneDx
Classification: Uncertain significance. Last evaluated: 2023-10-12. Review status: criteria provided, single submitter. Criteria: GeneDx Variant Classification Process June 2021. Collection method: clinical testing. Allele origin: germline. Affected: yes.
Comment: Has not been previously published as pathogenic or benign in association with a NOTCH1-related disorder to our knowledge; Not observed at significant frequency in large population cohorts (gnomAD); In silico analysis supports that this missense variant has a deleterious effect on protein structure/function; This variant is associated with the following publications: (PMID: 34698340)

Genome-Nilou Lab
Classification: Uncertain significance for Adams-Oliver syndrome 5. Last evaluated: 2022-03-15. Review status: criteria provided, single submitter. Criteria: ACMG Guidelines, 2015. Collection method: clinical testing. Allele origin: germline. Affected: no.

Genome-Nilou Lab
Classification: Uncertain significance for Aortic valve disease 1. Last evaluated: 2022-03-15. Review status: criteria provided, single submitter. Criteria: ACMG Guidelines, 2015. Collection method: clinical testing. Allele origin: germline. Affected: no.

CeGaT Center for Human Genetics Tuebingen
Classification: Uncertain significance. Last evaluated: 2021-01-01. Review status: criteria provided, single submitter. Criteria: CeGaT Center For Human Genetics Tuebingen Variant Classification Criteria Version 2. Collection method: clinical testing. Allele origin: germline. Affected: yes. Observed: 2 variant alleles.

Ambry Genetics
Classification: Uncertain significance for Familial thoracic aortic aneurysm and aortic dissection. Last evaluated: 2015-04-09. Review status: criteria provided, single submitter. Criteria: Ambry Variant Classification Scheme 2023. Collection method: clinical testing. Allele origin: germline.
Comment: The p.G1342S variant (also known as c.4024G>A), located in coding exon 25 of the NOTCH1 gene, results from a G to A substitution at nucleotide position 4024. The glycine at codon 1342 is replaced by serine, an amino acid with similar properties. This variant was not reported in population based cohorts in the following databases: Database of Single Nucleotide Polymorphisms (dbSNP), NHLBI Exome Sequencing Project (ESP), and 1000 Genomes Project. In the ESP, this variant was not observed in 5542 samples (11084 alleles) with coverage at this position. This amino acid position is highly conserved in available vertebrate species. In addition, this alteration is predicted to be probably damaging and deleterious by PolyPhen and SIFT in silico analyses, respectively. Since supporting evidence is limited at this time, the clinical significance of this variant remains unclear.